The following is an entry in ClinVar:

NM_000188.3(HK1):c.1393G>A (p.Glu465Lys)

Gene: HK1 (hexokinase 1; plus strand). Cytogenetic location: 10q22.1.
Variant type: single nucleotide variant.
Coding change: c.1393G>A on transcript NM_000188.3 (MANE Select); coding-DNA position 1393, G replaced by A.
Protein change: p.Glu465Lys; replaces glutamic acid 465 with lysine.
Molecular consequence: missense variant.
Genome position (GRCh38, 1-based): chr10:69,382,614, G>A. VCF-style: chr10-69382614-G-A. GRCh37 (hg19) VCF-style: chr10-71142370-G-A.
Other names: c.1405G>A, p.Glu469Lys (NM_001322364.2, NM_001358263.1, NM_033497.3 and 1 more transcripts); c.1498G>A, p.Glu500Lys (NM_001322365.2); c.1309G>A, p.Glu437Lys (NM_001322366.1); c.1390G>A, p.Glu464Lys (NM_033496.3); c.1357G>A, p.Glu453Lys (NM_033500.2); c.1297G>A, p.Glu433Lys (NM_001322367.1); short protein forms E465K, E469K, E453K, E500K, E464K, E433K, E437K.
Identifiers: ClinVar variation 915369 (VCV000915369.16), dbSNP rs780576140, ClinGen allele CA5532592.

ClinVar aggregate classification (germline): Conflicting classifications of pathogenicity. Review status: criteria provided, conflicting classifications (1 of 4 stars). 5 submissions from 5 submitters: Likely pathogenic (1); Uncertain significance (3). 1 of the submissions does not count toward it. Last evaluated 2025-11-01.

Conditions:
Neurodevelopmental disorder with visual defects and brain anomalies. Identifiers: MedGen C5231404, MONDO:0032807, OMIM 618547.
Hemolytic anemia due to hexokinase deficiency (CNSHA5). Also called: HEMOLYTIC ANEMIA, NONSPHEROCYTIC, DUE TO HEXOKINASE DEFICIENCY; Hexokinase deficiency hemolytic anemia; Non-spherocytic hemolytic anemia due to hexokinase deficiency; ANEMIA, CONGENITAL, NONSPHEROCYTIC HEMOLYTIC, 5. Identifiers: Orphanet 90031, MedGen C3150343, MONDO:0009340, OMIM 235700.
Retinal dystrophy. Also called: Inherited retinal dystrophy. Identifiers: Orphanet 71862, MedGen C0854723, MeSH D058499, MONDO:0019118, HP:0000556.

Allele frequency attached by ClinVar (database versions not stated): TOPMed below 0.00001; gnomAD 0.00001; gnomAD exomes 0.00001 and 0.00002; ExAC 0.00002.
gnomAD v4.1: 23 of 1,614,070 alleles (0.0014%); highest among the groups gnomAD compares: South Asian, 0.0033%; no homozygotes.

Submissions (5):

CeGaT Center for Human Genetics Tuebingen
Classification: Uncertain significance. Last evaluated: 2025-11-01. Review status: criteria provided, single submitter. Criteria: CeGaT Center For Human Genetics Tuebingen Variant Classification Criteria Version 2. Collection method: clinical testing. Allele origin: germline. Affected: yes. Observed: 1 variant allele.
Comment: HK1: PM2

Dasa
Classification: Uncertain significance for non-spherocytic hemolytic anemia due to hexokinase deficiency. Last evaluated: 2025-10-31. Review status: criteria provided, single submitter. Criteria: DASA Assertion Criteria. Collection method: clinical testing. Allele origin: germline.
Comment: NM_000188.3(HK1):c.1393G>A (p.Glu465Lys) is a missense variant that results in the substitution of glutamic acid with lysine. This variant is rare in population databases. The currently available literature and clinical evidence are not sufficient to establish a definitive association between this variant and the reported condition. Therefore, this variant is classified as a variant of uncertain significance.

Labcorp Genetics (formerly Invitae), Labcorp
Classification: Uncertain significance. Last evaluated: 2025-03-17. Review status: criteria provided, single submitter. Criteria: Invitae Variant Classification Sherloc (09022015). Collection method: clinical testing. Allele origin: germline.
Comment: This sequence change replaces glutamic acid, which is acidic and polar, with lysine, which is basic and polar, at codon 465 of the HK1 protein (p.Glu465Lys). This variant is present in population databases (rs780576140, gnomAD 0.003%). This variant has not been reported in the literature in individuals affected with HK1-related conditions. ClinVar contains an entry for this variant (Variation ID: 915369). Invitae Evidence Modeling of protein sequence and biophysical properties (such as structural, functional, and spatial information, amino acid conservation, physicochemical variation, residue mobility, and thermodynamic stability) indicates that this missense variant is not expected to disrupt HK1 protein function with a negative predictive value of 80%. In summary, the available evidence is currently insufficient to determine the role of this variant in disease. Therefore, it has been classified as a Variant of Uncertain Significance.

Genomic Research Center, Shahid Beheshti University of Medical Sciences
Classification: Likely pathogenic for Neurodevelopmental disorder with visual defects and brain anomalies. Last evaluated: 2020-05-03. Review status: criteria provided, single submitter. Criteria: ACMG Guidelines, 2015. Collection method: clinical testing. Allele origin: unknown. Affected: yes.

Institute of Human Genetics, Univ. Regensburg, Univ. Regensburg
Classification: Uncertain significance for Retinal dystrophy. Last evaluated: 2022-01-01. Review status: no assertion criteria provided. Criteria: ACMG Guidelines, 2015. Collection method: clinical testing. Allele origin: germline. Affected: yes. Not counted in ClinVar's aggregate classification.